The following is an entry in ClinVar:

ClinVar aggregate classification (germline): Benign/Likely benign. Review status: criteria provided, multiple submitters, no conflicts (2 of 4 stars). 8 submissions from 7 submitters: Benign (1); Likely benign (5). 2 of the submissions do not count toward it. Last evaluated 2026-01-07.

Conditions:
ABCA1-related disorder. Also called: ABCA1-related condition; ABCA1-related disorders. Identifiers: MedGen CN239173.
Hypoalphalipoproteinemia, primary, 1. Identifiers: Orphanet 425, MedGen C5231558, MONDO:0011393, OMIM 604091.
Tangier disease (TGD). Also called: Cholesterol thesaurismosis; HIGH DENSITY LIPOPROTEIN DEFICIENCY, TANGIER TYPE; HIGH DENSITY LIPOPROTEIN DEFICIENCY, TYPE 1. Identifiers: Orphanet 31150, MedGen C0039292, MONDO:0008783, OMIM 205400.

Allele frequency attached by ClinVar (database versions not stated): 1000 Genomes Project 0.00040; 1000 Genomes Project 30x 0.00047; ESP Exome Variant Server 0.00054; TOPMed 0.00059; gnomAD 0.00076 and 0.00081; gnomAD exomes 0.00099 and 0.00137; ExAC 0.00117.
gnomAD v4.1: 2,108 of 1,613,112 alleles (0.13%); highest among the groups gnomAD compares: Non-Finnish European, 0.16%; 3 homozygotes.

Submissions (19):

Labcorp Genetics (formerly Invitae), Labcorp
Classification: Likely benign. Last evaluated: 2026-01-07. Review status: criteria provided, single submitter. Criteria: Invitae Variant Classification Sherloc (09022015). Collection method: clinical testing. Allele origin: germline.

PreventionGenetics, part of Exact Sciences
Classification: Likely benign for ABCA1-related condition. Last evaluated: 2025-06-11. Review status: criteria provided, single submitter. Criteria: ACMG Guidelines, 2015. Collection method: clinical testing. Allele origin: germline.
Comment: This variant is classified as likely benign based on ACMG/AMP sequence variant interpretation guidelines (Richards et al. 2015 PMID: 25741868, with internal and published modifications).

GeneDx
Classification: Likely benign. Last evaluated: 2020-10-20. Review status: criteria provided, single submitter. Criteria: GeneDx Variant Classification Process June 2021. Collection method: clinical testing. Allele origin: germline. Affected: yes.
Comment: Reported as benign/likely benign in ClinVar (ClinVar Variant ID#364455; Landrum et al., 2016); This variant is associated with the following publications: (PMID: 19133158, 27135400, 23770607)

Women's Health and Genetics/Laboratory Corporation of America, LabCorp
Classification: Benign. Last evaluated: 2018-07-31. Review status: criteria provided, single submitter. Criteria: LabCorp Variant Classification Summary - May 2015. Collection method: clinical testing. Allele origin: germline.
Comment: Variant summary: ABCA1 c.720+6T>C alters a conserved nucleotide located close to a canonical splice site and therefore could affect mRNA splicing, leading to a significantly altered protein sequence. 5/5 computational tools predict no significant impact on normal splicing. However, these predictions have yet to be confirmed by functional studies. The variant allele was found at a frequency of 0.001 in 277220 control chromosomes, predominantly at a frequency of 0.0019 within the Non-Finnish European subpopulation in the gnomAD database, including 1 homozygotes. The observed variant frequency within Non-Finnish European control individuals in the gnomAD database is approximately 152 fold of the estimated maximal expected allele frequency for a pathogenic variant in ABCA1 causing Early Onset Coronary Artery Disease phenotype (1.3e-05), strongly suggesting that the variant is a benign polymorphism found primarily in populations of Non-Finnish European origin. c.720+6T>C has been reported in the literature in at-least one individual affected with Early Onset Coronary Artery Disease in whom another causative variant was identified. To our knowledge, no experimental evidence demonstrating an impact on protein function has been reported. One clinical diagnostic laboratory has submitted clinical-significance assessments for this variant to ClinVar after 2014 without evidence for independent evaluation. One laboratory classified the variant as benign/likely benign. Based on the evidence outlined above, the variant was classified as benign.

Illumina Laboratory Services, Illumina
Classification: Likely benign for Hypoalphalipoproteinemia, primary, 1. Last evaluated: 2017-04-27. Review status: criteria provided, single submitter. Criteria: ICSL Variant Classification Criteria 13 December 2019. Collection method: clinical testing. Allele origin: germline.
Comment: This variant was observed as part of a predisposition screen in an ostensibly healthy population. A literature search was performed for the gene, cDNA change, and amino acid change (where applicable). Publications were found based on this search. The evidence from the literature, in combination with allele frequency data from public databases where available, was sufficient to determine this variant is unlikely to cause disease. Therefore, this variant is classified as likely benign.

Illumina Laboratory Services, Illumina
Classification: Likely benign for Tangier disease. Last evaluated: 2017-04-27. Review status: criteria provided, single submitter. Criteria: ICSL Variant Classification Criteria 13 December 2019. Collection method: clinical testing. Allele origin: germline.
Comment: This variant was observed as part of a predisposition screen in an ostensibly healthy population. A literature search was performed for the gene, cDNA change, and amino acid change (where applicable). No publications were found based on this search. Allele frequency data from public databases allowed determination this variant is unlikely to cause disease. Therefore, this variant is classified as likely benign.

Clinical Genetics, Academic Medical Center
Classification: Benign. Review status: no assertion criteria provided. Collection method: clinical testing. Allele origin: germline. Affected: yes. Study: VKGL Data-share Consensus. Not counted in ClinVar's aggregate classification.

Diagnostic Laboratory, Department of Genetics, University Medical Center Groningen
Classification: Likely benign. Review status: no assertion criteria provided. Collection method: clinical testing. Allele origin: germline. Affected: yes. Study: VKGL Data-share Consensus. Not counted in ClinVar's aggregate classification.

Dr. Peter K. Rogan Lab, Western University
No classification provided (evidence only). Condition: Familial cancer of breast. Review status: no classification provided. Collection method: in vitro. Allele origin: not applicable. Functional consequence: retained intron. Not counted in ClinVar's aggregate classification.

Dr. Peter K. Rogan Lab, Western University
No classification provided (evidence only). Condition: Cervical cancer. Review status: no classification provided. Collection method: in vitro. Allele origin: not applicable. Functional consequence: retained intron. Not counted in ClinVar's aggregate classification.

Dr. Peter K. Rogan Lab, Western University
No classification provided (evidence only). Condition: Cervical cancer. Review status: no classification provided. Collection method: in vitro. Allele origin: not applicable. Functional consequence: retained intron. Not counted in ClinVar's aggregate classification.

Dr. Peter K. Rogan Lab, Western University
No classification provided (evidence only). Condition: Cholangiocarcinoma. Review status: no classification provided. Collection method: in vitro. Allele origin: not applicable. Functional consequence: retained intron. Not counted in ClinVar's aggregate classification.

Dr. Peter K. Rogan Lab, Western University
No classification provided (evidence only). Condition: Ovarian serous cystadenocarcinoma. Review status: no classification provided. Collection method: in vitro. Allele origin: not applicable. Functional consequence: retained intron. Not counted in ClinVar's aggregate classification.

Dr. Peter K. Rogan Lab, Western University
No classification provided (evidence only). Condition: Uveal melanoma. Review status: no classification provided. Collection method: in vitro. Allele origin: not applicable. Functional consequence: retained intron. Not counted in ClinVar's aggregate classification.

Dr. Peter K. Rogan Lab, Western University
No classification provided (evidence only). Condition: Chronic lymphocytic leukemia/small lymphocytic lymphoma. Review status: no classification provided. Collection method: in vitro. Allele origin: not applicable. Functional consequence: retained intron. Not counted in ClinVar's aggregate classification.

Dr. Peter K. Rogan Lab, Western University
No classification provided (evidence only). Condition: Nonpapillary renal cell carcinoma. Review status: no classification provided. Collection method: in vitro. Allele origin: not applicable. Functional consequence: retained intron. Not counted in ClinVar's aggregate classification.

Dr. Peter K. Rogan Lab, Western University
No classification provided (evidence only). Condition: Ovarian cancer. Review status: no classification provided. Collection method: in vitro. Allele origin: not applicable. Functional consequence: skipped exon, retained intron. Not counted in ClinVar's aggregate classification.

Dr. Peter K. Rogan Lab, Western University
No classification provided (evidence only). Condition: Ovarian cancer. Review status: no classification provided. Collection method: in vitro. Allele origin: not applicable. Functional consequence: retained intron. Not counted in ClinVar's aggregate classification.

Dr. Peter K. Rogan Lab, Western University
No classification provided (evidence only). Condition: Ovarian cancer. Review status: no classification provided. Collection method: in vitro. Allele origin: not applicable. Functional consequence: retained intron. Not counted in ClinVar's aggregate classification.

Literature cited by the submitters: PubMed 20093111 (cited by Women's Health and Genetics/Laboratory Corporation of America, LabCorp); PubMed 19133158 (cited by Women's Health and Genetics/Laboratory Corporation of America, LabCorp and Illumina Laboratory Services, Illumina).

NM_005502.4(ABCA1):c.720+6T>C

Gene: ABCA1 (ATP binding cassette subfamily A member 1; minus strand). Cytogenetic location: 9q31.1.
Variant type: single nucleotide variant.
Coding change: c.720+6T>C on transcript NM_005502.4 (MANE Select); 6 bases into the intron after coding-DNA position 720, T replaced by C.
Molecular consequence: intron variant.
Genome position (GRCh38, 1-based): chr9:104,858,516, A>G on the plus strand (T>C on the coding strand, the complement: ABCA1 is on the minus strand). VCF-style: chr9-104858516-A-G. GRCh37 (hg19) VCF-style: chr9-107620797-A-G.
Identifiers: ClinVar variation 364455 (VCV000364455.20), dbSNP rs188308962, ClinGen allele CA5169316.
Genomic context (GRCh38, chr9:104,858,516, plus strand): 5'-AAGGAAAAGCCTCACATTCCGAAAGCATTAGTGCTTGAAGTTTCTCCAGTGAGCAAGTCT[A>G]CTCACCAGGATTGGCTTCAGGATGTCCATGTTGGAACGAAGTACTCGCTCTGCTGCAGCC-3'